The following is an entry in ClinVar:

NM_007294.4(BRCA1):c.3613G>C (p.Gly1205Arg)

Genes: BRCA1 (BRCA1 DNA repair associated; minus strand), LOC126862571 (BRD4-independent group 4 enhancer GRCh37_chr17:41243136-41244335; plus strand). Cytogenetic location: 17q21.31.
Variant type: single nucleotide variant.
Coding change: c.3613G>C on transcript NM_007294.4 (MANE Select); coding-DNA position 3613, G replaced by C.
Protein change: p.Gly1205Arg; replaces glycine 1205 with arginine.
Molecular consequence: missense variant. On other transcripts: intron variant (135).
Genome position (GRCh38, 1-based): chr17:43,091,918, C>G on the plus strand (G>C on the coding strand, the complement: BRCA1 is on the minus strand). VCF-style: chr17-43091918-C-G. GRCh37 (hg19) VCF-style: chr17-41243935-C-G.
Other names: c.647-886G>C (NM_001408410.1, NM_001408458.1, NM_001408469.1 and 11 more transcripts); c.710-886G>C (NM_001408415.1, NM_001408412.1, NM_001408409.1 and 2 more transcripts); c.578-886G>C (NM_001408483.1, NM_001408481.1, NM_001408480.1 and 9 more transcripts); c.665-886G>C (NM_001408442.1, NM_001408426.1, NM_001408436.1 and 12 more transcripts); c.788-886G>C (NM_001407982.1, NM_001407970.1, NM_001407980.1 and 17 more transcripts); c.3400G>C, p.Gly1134Arg (NM_001407571.1, NM_001407853.1, NM_001407894.1 and 9 more transcripts); c.3613G>C, p.Gly1205Arg (NM_001407581.1, NM_001407582.1, NM_001407583.1 and 30 more transcripts); c.3610G>C, p.Gly1204Arg (NM_001407587.1, NM_001407590.1, NM_001407591.1 and 22 more transcripts); and 41 more; short protein forms G1205R, G1158R, G1037R, G1117R, G1137R, G1164R, G909R, G1077R.
Identifiers: ClinVar variation 54937 (VCV000054937.4), dbSNP rs80357294, ClinGen allele CA002311.

ClinVar aggregate classification (germline): Likely benign. Review status: criteria provided, single submitter (1 of 4 stars). 2 submissions from 2 submitters: Likely benign (1). 1 of the submissions does not count toward it. Last evaluated 2023-03-23.

Conditions:
Hereditary cancer-predisposing syndrome. Also called: Neoplastic Syndromes, Hereditary; Hereditary neoplastic syndrome; Tumor predisposition; Hereditary Cancer Syndrome. Identifiers: Orphanet 140162, MedGen C0027672, MeSH D009386, MONDO:0015356.
Familial cancer of breast. Also called: BREAST CANCER, FAMILIAL; Hereditary breast cancer; hereditary breast carcinoma. Identifiers: Orphanet 227535, MedGen C0346153, MONDO:0016419, OMIM 114480. Disease mechanism: loss of function.

Submissions (2):

University of Washington Department of Laboratory Medicine, University of Washington
Classification: Likely benign for Hereditary cancer-predisposing syndrome. Last evaluated: 2023-03-23. Review status: criteria provided, single submitter. Criteria: Dines et al. (Genet Med. 2020). Collection method: curation. Allele origin: germline.
Comment: Missense variant in a coldspot region where missense variants are very unlikely to be pathogenic (PMID:31911673).

BRCA1 coldspot (exon 11 using historical exon numbering). Reclassification based on statistical prior probability

ClinVar Staff, National Center for Biotechnology Information (NCBI)
No classification provided. Condition: Familial cancer of breast. Review status: no classification provided. Collection method: literature only. Allele origin: germline. Affected: yes. Not counted in ClinVar's aggregate classification.

Literature cited by the submitters: PubMed 12894890 (cited by ClinVar Staff, National Center for Biotechnology Information (NCBI)).